The following is an entry in ClinVar:

ClinVar aggregate classification (germline): Uncertain significance. Review status: criteria provided, multiple submitters, no conflicts (2 of 4 stars). 6 submissions from 6 submitters: Uncertain significance (5). 1 of the submissions does not count toward it. Last evaluated 2026-08-31.

Conditions:
Inborn genetic diseases. Identifiers: MedGen C0950123, MeSH D030342.
PCDH15-related disorder. Also called: PCDH15-related condition; PCDH15-related disorders.
Usher syndrome type 1F (USH1F). Also called: USHER SYNDROME, TYPE IF. Identifiers: Orphanet 231169, Orphanet 886, MedGen C1865885, MONDO:0011186, OMIM 602083.

Allele frequency attached by ClinVar (database versions not stated): ExAC 0.00001; TOPMed 0.00007; gnomAD exomes 0.00003; ESP Exome Variant Server 0.00008; 1000 Genomes Project 30x 0.00016; 1000 Genomes Project 0.00020; gnomAD 0.00004.
gnomAD v4.1: 20 of 1,614,096 alleles (0.0012%); highest among the groups gnomAD compares: East Asian, 0.016%; no homozygotes.

Submissions (6):

PreventionGenetics, part of Exact Sciences
Classification: Uncertain significance for PCDH15-related condition. Last evaluated: 2026-08-31. Review status: criteria provided, single submitter. Criteria: ACMG Guidelines, 2015. Collection method: clinical testing. Allele origin: germline.
Comment: The PCDH15 c.5033C>T variant is predicted to result in the amino acid substitution p.Ser1678Leu. This variant is intronic in an alternative transcript NM_001354429:c.4368-4680C>T. This variant can also be denoted as c.4409+2443C>T in the biologically relevant transcript for hearing loss NM_001142769. To our knowledge, this variant has not been reported in the literature. This variant is reported in 0.025% of alleles in individuals of East Asian descent in gnomAD. At this time, the clinical significance of this variant is uncertain due to the absence of conclusive functional and genetic evidence.

GeneDx
Classification: Uncertain significance. Last evaluated: 2025-07-01. Review status: criteria provided, single submitter. Criteria: GeneDx Variant Classification Process June 2021. Collection method: clinical testing. Allele origin: germline.
Comment: In silico analysis suggests that this missense variant does not alter protein structure/function; Has not been previously published as pathogenic or benign to our knowledge

Ambry Genetics
Classification: Uncertain significance for Inborn genetic diseases. Last evaluated: 2024-03-19. Review status: criteria provided, single submitter. Criteria: Ambry Variant Classification Scheme 2023. Collection method: clinical testing. Allele origin: germline.

Labcorp Genetics (formerly Invitae), Labcorp
Classification: Uncertain significance. Last evaluated: 2022-10-24. Review status: criteria provided, single submitter. Criteria: Invitae Variant Classification Sherloc (09022015). Collection method: clinical testing. Allele origin: germline.
Comment: This sequence change replaces serine, which is neutral and polar, with leucine, which is neutral and non-polar, at codon 1678 of the PCDH15 protein (p.Ser1678Leu). This variant is present in population databases (rs143438666, gnomAD 0.02%). This variant has not been reported in the literature in individuals affected with PCDH15-related conditions. ClinVar contains an entry for this variant (Variation ID: 229139). Algorithms developed to predict the effect of missense changes on protein structure and function (SIFT, PolyPhen-2, Align-GVGD) all suggest that this variant is likely to be tolerated. In summary, the available evidence is currently insufficient to determine the role of this variant in disease. Therefore, it has been classified as a Variant of Uncertain Significance.

Laboratory for Molecular Medicine, Mass General Brigham Personalized Medicine
Classification: Uncertain significance. Last evaluated: 2015-11-05. Review status: criteria provided, single submitter. Criteria: LMM Criteria. Collection method: clinical testing. Allele origin: germline. Observed: 1 variant allele.
Comment: The p.Ser1678Leu variant in PCDH15 has not been previously reported in individua ls with hearing loss, but has been identified in 1/10404 of African chromosomes by the Exome Aggregation Consortium (ExAC; rs143 438666). Computational prediction tools and conservation analysis suggest that t he p.Ser1678Leu variant may not impact the protein, though this information is n ot predictive enough to rule out pathogenicity. In summary, the clinical signifi cance of the p.Ser1678Leu variant is uncertain.

Natera, Inc.
Classification: Uncertain significance for Usher syndrome type 1F. Last evaluated: 2020-01-06. Review status: no assertion criteria provided. Collection method: clinical testing. Allele origin: germline. Not counted in ClinVar's aggregate classification.

NM_033056.4(PCDH15):c.5033C>T (p.Ser1678Leu)

Gene: PCDH15 (protocadherin related 15; minus strand). Cytogenetic location: 10q21.1.
Variant type: single nucleotide variant.
Coding change: c.5033C>T on transcript NM_033056.4 (MANE Plus Clinical); coding-DNA position 5033, C replaced by T.
Protein change: p.Ser1678Leu; replaces serine 1678 with leucine.
Molecular consequence: missense variant. On other transcripts: intron variant (8).
Genome position (GRCh38, 1-based): chr10:53,822,693, G>A on the plus strand (C>T on the coding strand, the complement: PCDH15 is on the minus strand). VCF-style: chr10-53822693-G-A. GRCh37 (hg19) VCF-style: chr10-55582453-G-A.
Other names: c.5039C>T, p.Ser1680Leu (NM_001142764.2); c.4826C>T, p.Ser1609Leu (NM_001142765.2); c.5024C>T, p.Ser1675Leu (NM_001142766.2); c.4913C>T, p.Ser1638Leu (NM_001142767.2); c.4973C>T, p.Ser1658Leu (NM_001142768.2); c.4964C>T, p.Ser1655Leu (NM_001142773.2); c.4967C>T, p.Ser1656Leu (NM_001354404.2); c.4367+4700C>T (NM_001354420.2); and 7 more; short protein forms S1678L, S1656L, S1685L, S1658L, S1675L, S1609L, S1638L, S1655L.
Identifiers: ClinVar variation 229139 (VCV000229139.12), dbSNP rs143438666, ClinGen allele CA5505136.